The following is an entry in ClinVar:

NM_015662.3(IFT172):c.2224_2236dup (p.Trp746Ter)

Gene: IFT172 (intraflagellar transport 172; minus strand). Cytogenetic location: 2p23.3.
Variant type: Duplication.
Coding change: c.2224_2236dup on transcript NM_015662.3 (MANE Select); coding-DNA positions 2224 to 2236, 13 bases duplicated (AGTTACTACCAGT).
Protein change: p.Trp746Ter; replaces tryptophan 746 with a stop codon.
Molecular consequence: nonsense. On other transcripts: frameshift variant (1).
Genome position (GRCh38, 1-based): chr2:27,461,475-27,461,487, ACTGGTAGTAACT duplicated on the plus strand (AGTTACTACCAGT on the coding strand, the reverse complement: IFT172 is on the minus strand); duplicating any 13 consecutive bases within chr2:27,461,475-27,461,489 gives the same sequence; the c. name uses the placement nearest the transcript's 3' end. VCF-style (leftmost placement, unchanged base first): chr2-27461474-C-CACTGGTAGTAACT. GRCh37 (hg19) VCF-style: chr2-27684341-C-CACTGGTAGTAACT.
Other names: c.2156_2168dup, p.Trp724Terfs (NM_001410739.1); short protein forms W746*.
Identifiers: ClinVar variation 2017084 (VCV002017084.4), dbSNP rs2465878777, ClinGen allele CA2580066254.

ClinVar aggregate classification (germline): Pathogenic (1 of 4 stars; one submission).

Conditions:
Short-rib thoracic dysplasia 10 with or without polydactyly (SRTD10). Identifiers: Orphanet 474, MedGen C3810175, MONDO:0014284, OMIM 615630.
Retinitis pigmentosa 71 (RP71). Identifiers: Orphanet 791, MedGen C4225342, MONDO:0014618, OMIM 616394.

Submission:

Labcorp Genetics (formerly Invitae), Labcorp
Classification: Pathogenic for Retinitis pigmentosa 71; Short-rib thoracic dysplasia 10 with or without polydactyly. Last evaluated: 2022-07-14. Review status: criteria provided, single submitter. Criteria: Invitae Variant Classification Sherloc (09022015). Collection method: clinical testing. Allele origin: germline.
Comment: For these reasons, this variant has been classified as Pathogenic. This variant has not been reported in the literature in individuals affected with IFT172-related conditions. This variant is not present in population databases (gnomAD no frequency). This sequence change creates a premature translational stop signal (p.Trp746*) in the IFT172 gene. It is expected to result in an absent or disrupted protein product. Loss-of-function variants in IFT172 are known to be pathogenic (PMID: 24140113).

Literature cited by the submitters: PubMed 24140113.